The following is an entry in ClinVar:

NM_018082.6(POLR3B):c.280A>T (p.Thr94Ser)

Gene: POLR3B (RNA polymerase III subunit B; plus strand). Cytogenetic location: 12q23.3.
Variant type: single nucleotide variant.
Coding change: c.280A>T on transcript NM_018082.6 (MANE Select); coding-DNA position 280, A replaced by T.
Protein change: p.Thr94Ser; replaces threonine 94 with serine.
Molecular consequence: missense variant.
Genome position (GRCh38, 1-based): chr12:106,369,327, A>T. VCF-style: chr12-106369327-A-T. GRCh37 (hg19) VCF-style: chr12-106763105-A-T.
Other names: c.106A>T, p.Thr36Ser (NM_001160708.2); short protein forms T36S, T94S.
Identifiers: ClinVar variation 4874216 (VCV004874216.2).

ClinVar aggregate classification (germline): Uncertain significance (1 of 4 stars; one submission).

Submission:

CeGaT Center for Human Genetics Tuebingen
Classification: Uncertain significance. Last evaluated: 2026-06-01. Review status: criteria provided, single submitter. Criteria: CeGaT Center For Human Genetics Tuebingen Variant Classification Criteria Version 2. Collection method: clinical testing. Allele origin: germline. Affected: yes. Observed: 1 variant allele.
Comment: POLR3B: PM2